The following is an entry in ClinVar:

NM_000069.3(CACNA1S):c.4176C>G (p.Ser1392=)

Gene: CACNA1S (calcium voltage-gated channel subunit alpha1 S; minus strand). Cytogenetic location: 1q32.1.
Variant type: single nucleotide variant.
Coding change: c.4176C>G on transcript NM_000069.3 (MANE Select); coding-DNA position 4176, C replaced by G.
Protein change: p.Ser1392=; no amino-acid change (serine 1392 retained).
Molecular consequence: synonymous variant.
Genome position (GRCh38, 1-based): chr1:201,050,454, G>C on the plus strand (C>G on the coding strand, the complement: CACNA1S is on the minus strand). VCF-style: chr1-201050454-G-C. GRCh37 (hg19) VCF-style: chr1-201019582-G-C.
Identifiers: ClinVar variation 541065 (VCV000541065.15), dbSNP rs200935259, ClinGen allele CA083141.
Genomic context (GRCh38, chr1:201,050,454, plus strand): 5'-CTCTGGGTCATACTCTGCCCAGATGGCCTTGAACTCATCCAGGTGATGAGGGCCCAGGAT[G>C]GACCAGTCCCGGGTGAGGTAGTCAAAATTGTCCATGATGACAGCCACAAAGAGGTTGATG-3'
Protein context (NP_000060.2, residues 1382-1402): DNFDYLTRDW[Ser1392=]ILGPHHLDEF

ClinVar aggregate classification (germline): Likely benign. Review status: criteria provided, multiple submitters, no conflicts (2 of 4 stars). 8 submissions from 5 submitters: Likely benign (8). Last evaluated 2024-06-07.

Conditions:
Hypokalemic periodic paralysis, type 1. Also called: HypoPP; Hypokalemic Periodic Paralysis Type 1 (AD). Identifiers: Orphanet 681, MedGen C3714580, MONDO:0042979, OMIM 170400.
Thyrotoxic periodic paralysis, susceptibility to, 1 (TTPP1). Identifiers: Orphanet 79102, MedGen C2749982, MONDO:0008570, OMIM 188580.
Malignant hyperthermia, susceptibility to, 5 (MHS5). Also called: CACNA1S-Related Malignant Hyperthermia Susceptibility. Identifiers: Orphanet 423, MedGen C1866077, MONDO:0011163, OMIM 601887.
Congenital myopathy 18. Also called: Myopathy, congenital, due to dihydropyridine receptor defect; DIHYDROPYRIDINE RECEPTOR CONGENITAL MYOPATHY; DHPR CONGENITAL MYOPATHY. Identifiers: MedGen C5830283, MONDO:0859514, OMIM 620246.

Allele frequency attached by ClinVar (database versions not stated): gnomAD exomes 0.00001 and 0.00002; ExAC 0.00002; TOPMed 0.00010; gnomAD 0.00011 and 0.00013; 1000 Genomes Project 0.00020; 1000 Genomes Project 30x 0.00031.
gnomAD v4.1: 32 of 1,614,092 alleles (0.002%); highest among the groups gnomAD compares: African/African-American, 0.04%; no homozygotes.

Submissions (8):

Labcorp Genetics (formerly Invitae), Labcorp
Classification: Likely benign for Hypokalemic periodic paralysis, type 1; Malignant hyperthermia, susceptibility to, 5. Last evaluated: 2024-06-07. Review status: criteria provided, single submitter. Criteria: Invitae Variant Classification Sherloc (09022015). Collection method: clinical testing. Allele origin: germline.

All of Us Research Program, National Institutes of Health
Classification: Likely benign for Malignant hyperthermia, susceptibility to, 5. Last evaluated: 2024-02-05. Review status: criteria provided, single submitter. Criteria: ACMG Guidelines, 2015. Collection method: clinical testing. Allele origin: germline. Inheritance: Autosomal dominant inheritance. Observed: 8 variant alleles, 8 heterozygotes.
Comment: This study involves interpretation of variants in research participants for the purpose of population health screening. Participant phenotype was not available at the time of variant classification. Additional details can be found in publication PMID: 35346344, PMCID: PMC8962531

Genome-Nilou Lab
Classification: Likely benign for Malignant hyperthermia, susceptibility to, 5. Last evaluated: 2023-04-11. Review status: criteria provided, single submitter. Criteria: ACMG Guidelines, 2015. Collection method: clinical testing. Allele origin: germline. Affected: no.

Genome-Nilou Lab
Classification: Likely benign for Thyrotoxic periodic paralysis, susceptibility to, 1. Last evaluated: 2023-04-11. Review status: criteria provided, single submitter. Criteria: ACMG Guidelines, 2015. Collection method: clinical testing. Allele origin: germline. Affected: no.

Genome-Nilou Lab
Classification: Likely benign for Congenital myopathy 18. Last evaluated: 2023-04-11. Review status: criteria provided, single submitter. Criteria: ACMG Guidelines, 2015. Collection method: clinical testing. Allele origin: germline. Affected: no.

Genome-Nilou Lab
Classification: Likely benign for Hypokalemic periodic paralysis, type 1. Last evaluated: 2023-04-11. Review status: criteria provided, single submitter. Criteria: ACMG Guidelines, 2015. Collection method: clinical testing. Allele origin: germline. Affected: no.

Fulgent Genetics
Classification: Likely benign for Hypokalemic periodic paralysis, type 1; Thyrotoxic periodic paralysis, susceptibility to, 1; Malignant hyperthermia, susceptibility to, 5. Last evaluated: 2022-02-01. Review status: criteria provided, single submitter. Criteria: ACMG Guidelines, 2015. Collection method: clinical testing. Allele origin: unknown.

Color Diagnostics, LLC DBA Color Health
Classification: Likely benign for Malignant hyperthermia, susceptibility to, 5. Last evaluated: 2019-03-29. Review status: criteria provided, single submitter. Criteria: ACMG Guidelines, 2015. Collection method: clinical testing. Allele origin: germline.